The following is an entry in ClinVar:

ClinVar aggregate classification (germline): Conflicting classifications of pathogenicity. Review status: criteria provided, conflicting classifications (1 of 4 stars). 2 submissions from 2 submitters: Likely pathogenic (1); Uncertain significance (1). Last evaluated 2026-01-19.

Conditions:
Familial hemophagocytic lymphohistiocytosis 3 (FHL3). Also called: UNC13D-Related Familial Hemophagocytic Lymphohistiocytosis (UNC13D-fHLH). Identifiers: Orphanet 540, MedGen C1837174, MONDO:0012146, OMIM 608898.
UNC13D-related disorder. Also called: UNC13D-related condition.

Allele frequency attached by ClinVar (database versions not stated): TOPMed 0.00002.

Submissions (2):

Labcorp Genetics (formerly Invitae), Labcorp
Classification: Uncertain significance for Familial hemophagocytic lymphohistiocytosis 3. Last evaluated: 2026-01-19. Review status: criteria provided, single submitter. Criteria: Invitae Variant Classification Sherloc (09022015). Collection method: clinical testing. Allele origin: germline.
Comment: This sequence change falls in intron 10 of the UNC13D gene. It does not directly change the encoded amino acid sequence of the UNC13D protein. It affects a nucleotide within the consensus splice site. This variant is present in population databases (rs563600513, gnomAD 0.02%). This variant has been observed in individual(s) with hemophagocytic lymphohistiocytosis (PMID: 26419432). In at least one individual the data is consistent with being in trans (on the opposite chromosome) from a pathogenic variant. ClinVar contains an entry for this variant (Variation ID: 1002224). Variants that disrupt the consensus splice site are a relatively common cause of aberrant splicing (PMID: 17576681, 9536098). Algorithms developed to predict the effect of sequence changes on RNA splicing suggest that this variant may disrupt the consensus splice site. In summary, the available evidence is currently insufficient to determine the role of this variant in disease. Therefore, it has been classified as a Variant of Uncertain Significance.

PreventionGenetics, part of Exact Sciences
Classification: Likely pathogenic for UNC13D-related condition. Last evaluated: 2025-10-20. Review status: criteria provided, single submitter. Criteria: ACMG Guidelines, 2015. Collection method: clinical testing. Allele origin: germline.
Comment: The UNC13D c.859-3C>A variant is predicted to interfere with splicing. This variant has been reported in the compound heterozygous state with another splicing variant (c.2955-2A>G) via a study of a rapid WGS methodology (Miller et al. 2015. PubMed ID: 26419432). Per the report, the molecular diagnosis of hemophagocytic lymphohistiocytosis fit the phenotype provided for the patient. This variant is reported in 0.015% of alleles in individuals of Latino descent in gnomAD. Of note, alternate variants impact the same splice site have been reported in the homozygous state in a child with hemophagocytic lymphohistiocytosis (c.859-3C>G, Weisfeld-Adams et al. 2009. PubMed ID: 19023578) and in the heterozygous state in cohort studies of individuals with hemophagocytic lymphohistiocytosis (c.859-3C>T; Patient 30, Chen et al 2018. PubMed ID: 29665027; Patients 21, and 22, Xinh et al. 2021. PubMed ID: 34339548). This variant is interpreted as likely pathogenic.

Literature cited by the submitters: PubMed 26419432 (cited by Labcorp Genetics (formerly Invitae), Labcorp); PubMed 17576681 (cited by Labcorp Genetics (formerly Invitae), Labcorp); PubMed 9536098 (cited by Labcorp Genetics (formerly Invitae), Labcorp).

NM_199242.3(UNC13D):c.859-3C>A

Gene: UNC13D (unc-13 homolog D; minus strand). Cytogenetic location: 17q25.1.
Variant type: single nucleotide variant.
Coding change: c.859-3C>A on transcript NM_199242.3 (MANE Select); 3 bases into the intron before coding-DNA position 859, C replaced by A.
Molecular consequence: intron variant.
Genome position (GRCh38, 1-based): chr17:75,840,113, G>T on the plus strand (C>A on the coding strand, the complement: UNC13D is on the minus strand). VCF-style: chr17-75840113-G-T. GRCh37 (hg19) VCF-style: chr17-73836194-G-T.
Identifiers: ClinVar variation 1002224 (VCV001002224.9), dbSNP rs563600513, ClinGen allele CA8773231.
Genomic context (GRCh38, chr17:75,840,113, plus strand): 5'-GCAGGAGGTGGAGGTGCACGGTGTAGCTCGGCTGCGAGCGGCTGGCCGAAGTGGCTCTCT[G>T]CAATGAGGCCTCTGTGAGCAGACAGGGCCTCACACTGGGTGCAGCCAGCCCCGCAACCCA-3'